The following is an entry in ClinVar:

NM_000210.4(ITGA6):c.*751A>G

Genes: ITGA6 (integrin subunit alpha 6; plus strand), PDK1-AS1 (PDK1 and ITGA6 antisense RNA 1; minus strand). Cytogenetic location: 2q31.1.
Variant type: single nucleotide variant.
Coding change: c.*751A>G on transcript NM_000210.4 (MANE Select); 751 bases downstream of the stop codon, A replaced by G.
Molecular consequence: 3 prime UTR variant.
Genome position (GRCh38, 1-based): chr2:172,504,819, A>G. VCF-style: chr2-172504819-A-G. GRCh37 (hg19) VCF-style: chr2-173369547-A-G.
Other names: c.*567A>G (NM_001079818.3, NM_001365529.2); c.*751A>G (NM_001316306.2, NM_001365530.2).
Identifiers: ClinVar variation 332401 (VCV000332401.6), dbSNP rs2178473, ClinGen allele CA10613053.

ClinVar aggregate classification (germline): Likely benign. Review status: criteria provided, multiple submitters, no conflicts (2 of 4 stars). 2 submissions from 2 submitters: Likely benign (2). Last evaluated 2018-01-13.

Conditions:
Junctional epidermolysis bullosa with pyloric atresia. Also called: ITGB4-Related Epidermolysis Bullosa with Pyloric Atresia; ITGA6-Related Epidermolysis Bullosa with Pyloric Atresia; EPIDERMOLYSIS BULLOSA, JUNCTIONAL 5B, WITH PYLORIC ATRESIA; APLASIA CUTIS CONGENITA WITH GASTROINTESTINAL ATRESIA; CARMI SYNDROME; EB-PA-ACC. Identifiers: Orphanet 79403, MedGen C5676875, MONDO:0009183, OMIM 226730.

Allele frequency attached by ClinVar (database versions not stated): gnomAD 0.00028 and 0.00048; TOPMed 0.00034; 1000 Genomes Project 30x 0.00047; 1000 Genomes Project 0.00060.

Submissions (2):

Illumina Laboratory Services, Illumina
Classification: Likely benign for Junctional epidermolysis bullosa with pyloric atresia. Last evaluated: 2018-01-13. Review status: criteria provided, single submitter. Criteria: ICSL Variant Classification Criteria 13 December 2019. Collection method: clinical testing. Allele origin: germline.
Comment: This variant was observed in the ICSL laboratory as part of a predisposition screen in an ostensibly healthy population. It had not been previously curated by ICSL or reported in the Human Gene Mutation Database (HGMD: prior to June 1st, 2018), and was therefore a candidate for classification through an automated scoring system. Utilizing variant allele frequency, disease prevalence and penetrance estimates, and inheritance mode, an automated score was calculated to assess if this variant is too frequent to cause the disease. Based on the score and internal cut-off values, a variant classified as likely benign is not then subjected to further curation. The score for this variant resulted in a classification of likely benign for this disease.

Breakthrough Genomics
Classification: Likely benign. Review status: criteria provided, single submitter. Criteria: ACMG Guidelines, 2015. Collection method: not provided. Allele origin: germline. Inheritance: Autosomal recessive inheritance. Affected: yes.